The following is an entry in ClinVar:

NM_002890.3(RASA1):c.2632C>T (p.Gln878Ter)

Genes: CCNH (cyclin H; minus strand), RASA1 (RAS p21 protein activator 1; plus strand). Cytogenetic location: 5q14.3.
Variant type: single nucleotide variant.
Coding change: c.2632C>T on transcript NM_002890.3 (MANE Select); coding-DNA position 2632, C replaced by T.
Protein change: p.Gln878Ter; replaces glutamine 878 with a stop codon.
Molecular consequence: nonsense. On other transcripts: intron variant (1).
Genome position (GRCh38, 1-based): chr5:87,380,537, C>T. VCF-style: chr5-87380537-C-T. GRCh37 (hg19) VCF-style: chr5-86676354-C-T.
Other names: c.2101C>T, p.Gln701Ter (NM_022650.3); c.933+14507G>A (NM_001364075.2); short protein forms Q701*, Q878*.
Identifiers: ClinVar variation 4974557 (VCV004974557.1).

ClinVar aggregate classification (germline): Pathogenic (1 of 4 stars; one submission).

Conditions:
Capillary malformation-arteriovenous malformation 1 (CMAVM1). Identifiers: Orphanet 137667, Orphanet 693907, MedGen C4747394, MONDO:0020783, OMIM 608354.

Submission:

Clinical Genomics Laboratory, Washington University in St. Louis
Classification: Pathogenic for Capillary malformation-arteriovenous malformation 1. Last evaluated: 2026-01-05. Review status: criteria provided, single submitter. Criteria: Leon-Quintero et al. (Clin Genet. 2025). Collection method: clinical testing. Allele origin: somatic. Affected: yes.
Comment: A RASA1 c.2632C>T (p.Gln878*) variant was identified at an allelic fraction consistent with somatic origin. This variant has been reported in the literature in two individuals with capillary malformations (Revencu N et al., PMID: 24038909). It is absent from the general population (gnomAD v4.1.0), indicating it is not a common variant. This nonsense variant leads to a premature termination codon, which is predicted to lead to nonsense-mediated decay. Based on available information and an internally developed protocol informed by the ACMG/AMP guidelines for variant interpretation and gene-specific practices from the ClinGen Criteria Specification Registry (Leon-Quintero FZ et al., PMID: 39434542), the RASA1 c.2632C>T (p.Gln878*) variant is classified as pathogenic.